The following is an entry in ClinVar:

NM_001005242.3(PKP2):c.1888G>C (p.Val630Leu)

Gene: PKP2 (plakophilin 2; minus strand). Cytogenetic location: 12p11.21.
Variant type: single nucleotide variant.
Coding change: c.1888G>C on transcript NM_001005242.3 (MANE Select); coding-DNA position 1888, G replaced by C.
Protein change: p.Val630Leu; replaces valine 630 with leucine.
Molecular consequence: missense variant.
Genome position (GRCh38, 1-based): chr12:32,821,481, C>G on the plus strand (G>C on the coding strand, the complement: PKP2 is on the minus strand). VCF-style: chr12-32821481-C-G. GRCh37 (hg19) VCF-style: chr12-32974415-C-G.
Other names: c.2020G>C, p.Val674Leu (NM_004572.4); short protein forms V674L, V630L.
Identifiers: ClinVar variation 920631 (VCV000920631.4), dbSNP rs143038626, ClinGen allele CA384361938.

ClinVar aggregate classification (germline): Uncertain significance (1 of 4 stars; one submission).

Conditions:
Cardiomyopathy (CMYO). Also called: Cardiomyopathies. Identifiers: Orphanet 167848, MedGen C0878544, MONDO:0004994, HP:0001638. Inheritance: Various modes of inheritance.

Submission:

Color Diagnostics, LLC DBA Color Health
Classification: Uncertain significance for Cardiomyopathy. Last evaluated: 2024-03-06. Review status: criteria provided, single submitter. Criteria: ACMG Guidelines, 2015. Collection method: clinical testing. Allele origin: germline.
Comment: This missense variant replaces valine with leucine at codon 674 of the PKP2 protein. Computational prediction tool suggests that this variant may not impact protein structure and function (internally defined REVEL score threshold <=0.5, PMID: 27666373). Splice site prediction tools suggest that this variant may not impact RNA splicing. To our knowledge, functional studies have not been performed for this variant. This variant has not been reported in individuals affected with cardiovascular disorders in the literature. This variant has not been identified in the general population by the Genome Aggregation Database (gnomAD). The available evidence is insufficient to determine the role of this variant in disease conclusively. Therefore, this variant is classified as a Variant of Uncertain Significance.